The following is an entry in ClinVar:

NM_004999.4(MYO6):c.2499_2500del (p.His833fs)

Gene: MYO6 (myosin VI; plus strand). Cytogenetic location: 6q14.1.
Variant type: Microsatellite.
Coding change: c.2499_2500del on transcript NM_004999.4 (MANE Select); coding-DNA positions 2499 to 2500, 2 bases deleted (CA; older notation c.2499_2500delCA).
Protein change: p.His833fs; shifts the reading frame from histidine 833.
Molecular consequence: frameshift variant. On other transcripts: non-coding transcript variant (1).
Genome position (GRCh38, 1-based): chr6:75,886,086-75,886,087, CA deleted; deleting any 2 consecutive bases within chr6:75,886,083-75,886,087 gives the same sequence; the c. name uses the placement nearest the transcript's 3' end. VCF-style (leftmost placement, unchanged base first): chr6-75886082-GAC-G. GRCh37 (hg19) VCF-style: chr6-76595799-GAC-G.
Other names: c.2499_2500del, p.His833fs (NM_001300899.2, NM_001368136.1, NM_001368137.1 and 2 more transcripts); c.2484_2485del, p.His828fs (NM_001368138.1); c.2496_2497delAC (NM_001300899.2); short protein forms H828fs, H833fs.
Identifiers: ClinVar variation 4076158 (VCV004076158.1).

ClinVar aggregate classification (germline): Likely pathogenic (1 of 4 stars; one submission).

Conditions:
Autosomal recessive nonsyndromic hearing loss 37. Identifiers: Orphanet 90636, MedGen C1843028, MONDO:0011912, OMIM 607821.

Submission:

Rajaie Cardiovascular, Medical and Research Center, Iran University of Medical Sciences
Classification: Likely pathogenic for Autosomal recessive nonsyndromic hearing loss 37. Review status: criteria provided, single submitter. Criteria: ACMG Guidelines, 2015. Collection method: research. Allele origin: germline. Inheritance: Autosomal recessive inheritance. Affected: yes. Observed: 1 homozygote.
Comment: Deaf with Supraventricular Tachycardia